The following is an entry in ClinVar:

NM_004006.3(DMD):c.2622+15T>A

Gene: DMD (dystrophin; minus strand). Cytogenetic location: Xp21.1.
Variant type: single nucleotide variant.
Coding change: c.2622+15T>A on transcript NM_004006.3 (MANE Select); 15 bases into the intron after coding-DNA position 2622, T replaced by A.
Molecular consequence: intron variant.
Genome position (GRCh38, 1-based): chrX:32,491,262, A>T on the plus strand (T>A on the coding strand, the complement: DMD is on the minus strand). VCF-style: chrX-32491262-A-T. GRCh37 (hg19) VCF-style: chrX-32509379-A-T.
Other names: c.2598+15T>A (NM_000109.4); c.2610+15T>A (NM_004009.3); c.2253+15T>A (NM_004010.3).
Identifiers: ClinVar variation 515706 (VCV000515706.6), dbSNP rs371244067, ClinGen allele CA10379483.

ClinVar aggregate classification (germline): Likely benign. Review status: criteria provided, multiple submitters, no conflicts (2 of 4 stars). 2 submissions from 2 submitters: Likely benign (2). Last evaluated 2025-10-10.

Conditions:
Duchenne muscular dystrophy (DMD). Also called: Duchenne Muscular Dystrophy (DMD); MUSCULAR DYSTROPHY, PSEUDOHYPERTROPHIC PROGRESSIVE, DUCHENNE TYPE. Identifiers: Orphanet 98896, MedGen C0013264, MONDO:0010679, OMIM 310200.

Allele frequency attached by ClinVar (database versions not stated): gnomAD exomes below 0.00001 and 0.00001; gnomAD 0.00001; ExAC 0.00003; TOPMed 0.00004; ESP Exome Variant Server 0.00028.
gnomAD v4.1: 2 of 1,209,666 alleles (0.00017%); highest among the groups gnomAD compares: African/African-American, 0.0035%; no homozygotes.

Submissions (2):

Labcorp Genetics (formerly Invitae), Labcorp
Classification: Likely benign for Duchenne muscular dystrophy. Last evaluated: 2025-10-10. Review status: criteria provided, single submitter. Criteria: Invitae Variant Classification Sherloc (09022015). Collection method: clinical testing. Allele origin: germline.

GeneDx
Classification: Likely benign. Last evaluated: 2018-02-26. Review status: criteria provided, single submitter. Criteria: GeneDx Variant Classification (06012015). Collection method: clinical testing. Allele origin: germline. Affected: yes.
Comment: This variant is considered likely benign or benign based on one or more of the following criteria: it is a conservative change, it occurs at a poorly conserved position in the protein, it is predicted to be benign by multiple in silico algorithms, and/or has population frequency not consistent with disease.